The following is an entry in ClinVar:

NM_003673.4(TCAP):c.60C>G (p.Ala20=)

Gene: TCAP (titin-cap; plus strand). Cytogenetic location: 17q12.
Variant type: single nucleotide variant.
Coding change: c.60C>G on transcript NM_003673.4 (MANE Select); coding-DNA position 60, C replaced by G.
Protein change: p.Ala20=; no amino-acid change (alanine 20 retained).
Molecular consequence: synonymous variant.
Genome position (GRCh38, 1-based): chr17:39,665,419, C>G. VCF-style: chr17-39665419-C-G. GRCh37 (hg19) VCF-style: chr17-37821672-C-G.
Other names: p.Ala20=.
Identifiers: ClinVar variation 44714 (VCV000044714.81), dbSNP rs146502276, ClinGen allele CA134937.
Genomic context (GRCh38, chr17:39,665,419, plus strand): 5'-CATGGCTACCTCAGAGCTGAGCTGCGAGGTGTCGGAGGAGAACTGTGAGCGCCGGGAGGC[C>G]TTCTGGGCAGAATGGAAGGATCTGACACTGTCCACACGGCCCGAGGAGGGGTGAGTGTGG-3'
Protein context (NP_003664.1, residues 10-30): VSEENCERRE[Ala20=]FWAEWKDLTL

ClinVar aggregate classification (germline): Conflicting classifications of pathogenicity. Review status: criteria provided, conflicting classifications (1 of 4 stars). 18 submissions from 17 submitters: Uncertain significance (3); Benign (2); Likely benign (8). 5 of the submissions do not count toward it. Last evaluated 2026-05-01.

Conditions:
Primary familial hypertrophic cardiomyopathy (HCM). Identifiers: Orphanet 99739, MedGen C0949658, MeSH D024741, MONDO:0024573. Inheritance: Various modes of inheritance.
Hypertrophic cardiomyopathy 25 (CMH25). Also called: CARDIOMYOPATHY, FAMILIAL HYPERTROPHIC, 25. Identifiers: MedGen C4225408, MONDO:0011843, OMIM 607487.
Cardiovascular phenotype. Identifiers: MedGen CN230736.
Autosomal recessive limb-girdle muscular dystrophy type 2G (LGMDR7). Also called: Telethoninopathy; MUSCULAR DYSTROPHY, LIMB-GIRDLE, AUTOSOMAL RECESSIVE 7; Limb-girdle muscular dystrophy, type 2G. Identifiers: Orphanet 34514, MedGen C1866008, MONDO:0011170, OMIM 601954.

Allele frequency attached by ClinVar (database versions not stated): gnomAD exomes 0.00025 and 0.00029; TOPMed 0.00025; ExAC 0.00029; gnomAD 0.00032 and 0.00034; ESP Exome Variant Server 0.00046.
gnomAD v4.1: 408 of 1,613,608 alleles (0.025%); highest among the groups gnomAD compares: Non-Finnish European, 0.033%; no homozygotes.

Submissions (18):

CeGaT Center for Human Genetics Tuebingen
Classification: Likely benign. Last evaluated: 2026-05-01. Review status: criteria provided, single submitter. Criteria: CeGaT Center For Human Genetics Tuebingen Variant Classification Criteria Version 2. Collection method: clinical testing. Allele origin: germline. Affected: yes. Observed: 6 variant alleles.
Comment: TCAP: BP4, BP7

Labcorp Genetics (formerly Invitae), Labcorp
Classification: Likely benign for Hypertrophic cardiomyopathy 25; Primary familial hypertrophic cardiomyopathy. Last evaluated: 2026-01-25. Review status: criteria provided, single submitter. Criteria: Invitae Variant Classification Sherloc (09022015). Collection method: clinical testing. Allele origin: germline.

Laboratory of Genetics, Children's Clinical University Hospital Latvia
Classification: Likely benign. Last evaluated: 2025-02-16. Review status: criteria provided, single submitter. Criteria: ACMG Guidelines, 2015. Collection method: clinical testing. Allele origin: germline. Affected: yes.

Blueprint Genetics
Classification: Likely benign. Last evaluated: 2024-11-21. Review status: criteria provided, single submitter. Criteria: ACMG Guidelines, 2015. Collection method: clinical testing. Allele origin: germline.

Mayo Clinic Laboratories, Mayo Clinic
Classification: Likely benign. Last evaluated: 2024-02-14. Review status: criteria provided, single submitter. Criteria: ACMG Guidelines, 2015. Collection method: clinical testing. Allele origin: germline. Observed: 6 variant alleles.
Comment: BP4, BP7

Women's Health and Genetics/Laboratory Corporation of America, LabCorp
Classification: Benign. Last evaluated: 2019-04-16. Review status: criteria provided, single submitter. Criteria: LabCorp Variant Classification Summary - May 2015. Collection method: clinical testing. Allele origin: germline.
Comment: Variant summary: TCAP c.60C>G alters a non-conserved nucleotide resulting in a synonymous change. 5/5 computational tools predict no significant impact on normal splicing. However, these predictions have yet to be confirmed by functional studies. The variant allele was found at a frequency of 0.00029 in 251058 control chromosomes (gnomAD). The observed variant frequency is approximately 12 fold of the estimated maximal expected allele frequency for a pathogenic variant in TCAP causing Cardiomyopathy phenotype (2.5e-05), strongly suggesting that the variant is benign. Though c.60C>G has been reported in the literature in an individual affected with Dilated Cardiomyopathy (DCM), this patient also had a co-occurring pathogenic variant (TNNT2 c.629_631delAGA (p.Lys210del)) that could explain the reported phenotype, providing supporting evidence for a benign role for the variant of interest. To our knowledge, no experimental evidence demonstrating an impact on protein function has been reported. Six ClinVar submissions from clinical diagnostic laboratories (evaluation after 2014) cite the variant three times as likely benign, twice as uncertain significance, and once as benign. Based on the evidence outlined above, the variant was classified as benign.

Illumina Laboratory Services, Illumina
Classification: Uncertain significance for Autosomal recessive limb-girdle muscular dystrophy type 2G. Last evaluated: 2018-01-13. Review status: criteria provided, single submitter. Criteria: ICSL Variant Classification Criteria 13 December 2019. Collection method: clinical testing. Allele origin: germline.

Illumina Laboratory Services, Illumina
Classification: Uncertain significance for Cardiomyopathy, Dilated, 1N. Last evaluated: 2018-01-13. Review status: criteria provided, single submitter. Criteria: ICSL Variant Classification Criteria 13 December 2019. Collection method: clinical testing. Allele origin: germline.

Eurofins Ntd Llc (ga)
Classification: Uncertain significance. Last evaluated: 2016-12-15. Review status: criteria provided, single submitter. Criteria: EGL Classification Definitions 2015. Collection method: clinical testing. Allele origin: germline. Observed: 7 variant alleles, 7 heterozygotes.

Ambry Genetics
Classification: Likely benign for Cardiovascular phenotype. Last evaluated: 2015-11-25. Review status: criteria provided, single submitter. Criteria: Ambry Variant Classification Scheme 2023. Collection method: clinical testing. Allele origin: germline.

Laboratory for Molecular Medicine, Mass General Brigham Personalized Medicine
Classification: Likely benign. Last evaluated: 2015-07-07. Review status: criteria provided, single submitter. Criteria: LMM Criteria. Collection method: clinical testing. Allele origin: germline. Observed: 5 variant alleles.
Comment: p.Ala20Ala in exon 1 of TCAP: This variant is not expected to have clinical sign ificance because it does not alter an amino acid residue and is not located with in the splice consensus sequence. It has been identified in 34/66232 European ch romosomes by the Exome Aggregation Consortium (ExAC. org/; dbSNP rs146502276).

GeneDx
Classification: Benign. Last evaluated: 2015-04-06. Review status: criteria provided, single submitter. Criteria: GeneDx Variant Classification (06012015). Collection method: clinical testing. Allele origin: germline. Affected: yes.
Comment: This variant is considered likely benign or benign based on one or more of the following criteria: it is a conservative change, it occurs at a poorly conserved position in the protein, it is predicted to be benign by multiple in silico algorithms, and/or has population frequency not consistent with disease.

PreventionGenetics, part of Exact Sciences
Classification: Likely benign. Review status: criteria provided, single submitter. Criteria: ACMG Guidelines, 2015. Collection method: clinical testing. Allele origin: germline.

Clinical Genetics DNA and cytogenetics Diagnostics Lab, Erasmus MC, Erasmus Medical Center
Classification: Likely benign. Review status: no assertion criteria provided. Collection method: clinical testing. Allele origin: germline. Affected: yes. Study: VKGL Data-share Consensus. Not counted in ClinVar's aggregate classification.

Clinical Genetics, Academic Medical Center
Classification: Benign. Review status: no assertion criteria provided. Collection method: clinical testing. Allele origin: germline. Affected: yes. Study: VKGL Data-share Consensus. Not counted in ClinVar's aggregate classification.

Diagnostic Laboratory, Department of Genetics, University Medical Center Groningen
Classification: Likely benign. Review status: no assertion criteria provided. Collection method: clinical testing. Allele origin: germline. Affected: yes. Study: VKGL Data-share Consensus. Not counted in ClinVar's aggregate classification.

Genome Diagnostics Laboratory, University Medical Center Utrecht
Classification: Likely benign. Review status: no assertion criteria provided. Collection method: clinical testing. Allele origin: germline. Affected: yes. Study: VKGL Data-share Consensus. Not counted in ClinVar's aggregate classification.

Joint Genome Diagnostic Labs from Nijmegen and Maastricht, Radboudumc and MUMC+
Classification: Likely benign. Review status: no assertion criteria provided. Collection method: clinical testing. Allele origin: germline. Affected: yes. Study: VKGL Data-share Consensus. Not counted in ClinVar's aggregate classification.

Literature cited by the submitters: PubMed 24503780 (cited by Women's Health and Genetics/Laboratory Corporation of America, LabCorp).